The following continues an entry in ClinVar:

NM_007194.4(CHEK2):c.727T>C (p.Cys243Arg)

Gene: CHEK2. ClinVar aggregate classification (germline): Conflicting classifications of pathogenicity. Uncertain significance (12); Likely benign (3).

Submissions 10 to 16 of 16:

CeGaT Center for Human Genetics Tuebingen
Classification: Likely benign. Last evaluated: 2024-07-01. Review status: criteria provided, single submitter. Criteria: CeGaT Center For Human Genetics Tuebingen Variant Classification Criteria Version 2. Collection method: clinical testing. Allele origin: germline. Affected: yes. Observed: 1 variant allele.
Comment: CHEK2: BS3:Supporting

Baylor Genetics
Classification: Uncertain significance for Familial cancer of breast. Last evaluated: 2024-03-01. Review status: criteria provided, single submitter. Criteria: ACMG Guidelines, 2015. Collection method: clinical testing. Allele origin: unknown.

Fulgent Genetics
Classification: Uncertain significance for Familial prostate cancer; Bone osteosarcoma; CHEK2-related cancer predisposition. Last evaluated: 2024-02-16. Review status: criteria provided, single submitter. Criteria: ACMG Guidelines, 2015. Collection method: clinical testing. Allele origin: germline.

Ambry Genetics
Classification: Likely benign for Hereditary cancer-predisposing syndrome. Last evaluated: 2023-05-08. Review status: criteria provided, single submitter. Criteria: Ambry Variant Classification Scheme 2023. Collection method: clinical testing. Allele origin: germline.

Baylor Genetics
Classification: Uncertain significance for CHEK2-related cancer predisposition. Last evaluated: 2020-09-11. Review status: criteria provided, single submitter. Criteria: ACMG Guidelines, 2015. Collection method: clinical testing. Allele origin: unknown. Affected: yes. Study: CSER-TexasKidsCanSeq.
Comment: This variant was determined to be of uncertain significance according to ACMG Guidelines, 2015 [PMID:25741868].

ARUP Laboratories, Molecular Genetics and Genomics, ARUP Laboratories
Classification: Uncertain significance. Last evaluated: 2017-09-26. Review status: criteria provided, single submitter. Criteria: ARUP Molecular Germline Variant Investigation Process. Collection method: clinical testing. Allele origin: germline.
Comment: The CHEK2 c.727T>C;p.Cys243Arg variant is reported in the medical literature in one control individual, but has not been reported in the medical literature in any individuals with CHEK2-related disease (Le Calvez-Kelm 2011). The variant is listed in the ClinVar database (Variation ID: 140933) and the dbSNP variant database (rs141776984) with an allele frequency of 0.0077 percent (1/13003 alleles) in the Exome Variant Server and 0.001804 percent (5/277120 alleles) in the Genome Aggregation Database. The cysteine at this position is moderately conserved across species and computational algorithms do not reach a consensus as to the effect of this variant on the protein (AlignGVGD: Tolerated, SIFT: Tolerated, PolyPhen2: Possibly Damaging, MutationTaster: Disease Causing). Considering available information, there is insufficient evidence to classify this variant with certainty. Pathogenic CHEK2 variants increase the risk of breast cancer (MIM# 114480) and colon cancer (NCCN Guidelines Version 2.2017). References: Le Calvez-Kelm F et al. Rare, evolutionarily unlikely missense substitutions in CHEK2 contribute to breast cancer susceptibility: results from a breast cancer family registry case-control mutation-screening study. Breast Cancer Res. 2011 Jan 18;13(1):R6.

Counsyl
Classification: Uncertain significance for Familial cancer of breast. Last evaluated: 2017-04-28. Review status: no assertion criteria provided. Collection method: clinical testing. Allele origin: unknown. Not counted in ClinVar's aggregate classification.

Literature cited by the submitters: PubMed 25186627 (cited by 4 submitters); PubMed 30303537 (cited by 6 submitters); PubMed 30851065 (cited by 6 submitters); PubMed 21244692 (cited by 4 submitters); PubMed 33471991 (cited by Color Diagnostics, LLC DBA Color Health and Quest Diagnostics Nichols Institute San Juan Capistrano); PubMed 34903604 (cited by 4 submitters); PubMed 37449874 (cited by Color Diagnostics, LLC DBA Color Health); PubMed 26787654 (cited by Women's Health and Genetics/Laboratory Corporation of America, LabCorp and Quest Diagnostics Nichols Institute San Juan Capistrano); PubMed 25085752 (cited by Myriad Genetics, Inc.).